The following is an entry in ClinVar:

NM_002569.4(FURIN):c.1377-6G>T

Gene: FURIN (furin, paired basic amino acid cleaving enzyme; plus strand). Cytogenetic location: 15q26.1.
Variant type: single nucleotide variant.
Coding change: c.1377-6G>T on transcript NM_002569.4 (MANE Select); 6 bases into the intron before coding-DNA position 1377, G replaced by T.
Molecular consequence: intron variant.
Genome position (GRCh38, 1-based): chr15:90,880,088, G>T. VCF-style: chr15-90880088-G-T. GRCh37 (hg19) VCF-style: chr15-91423318-G-T.
Other names: c.1377-6G>T (NM_001382622.1, NM_001382619.1, NM_001289823.2 and 3 more transcripts).
Identifiers: ClinVar variation 2645711 (VCV002645711.24), dbSNP rs756203537, ClinGen allele CA7739726.

ClinVar aggregate classification (germline): Likely benign (1 of 4 stars; one submission).

Allele frequency attached by ClinVar (database versions not stated): gnomAD exomes below 0.00001; ExAC 0.00001.
gnomAD v4.1: 2 of 1,604,426 alleles (0.00012%); highest among the groups gnomAD compares: Non-Finnish European, 0.00017%; no homozygotes.

Submission:

CeGaT Center for Human Genetics Tuebingen
Classification: Likely benign. Last evaluated: 2022-07-01. Review status: criteria provided, single submitter. Criteria: CeGaT Center For Human Genetics Tuebingen Variant Classification Criteria Version 2. Collection method: clinical testing. Allele origin: germline. Affected: yes. Observed: 1 variant allele.
Comment: FURIN: BP4